The following is an entry in ClinVar:

NM_018418.5(SPATA7):c.1555A>G (p.Thr519Ala)

Gene: SPATA7 (spermatogenesis associated 7; plus strand). Cytogenetic location: 14q31.3.
Variant type: single nucleotide variant.
Coding change: c.1555A>G on transcript NM_018418.5 (MANE Select); coding-DNA position 1555, A replaced by G.
Protein change: p.Thr519Ala; replaces threonine 519 with alanine.
Molecular consequence: missense variant.
Genome position (GRCh38, 1-based): chr14:88,438,177, A>G. VCF-style: chr14-88438177-A-G. GRCh37 (hg19) VCF-style: chr14-88904521-A-G.
Other names: c.1459A>G, p.Thr487Ala (NM_001040428.4); c.1555A>G (NM_018418.4); short protein forms T487A, T519A.
Identifiers: ClinVar variation 2004966 (VCV002004966.3), dbSNP rs767550919, ClinGen allele CA390572845.

ClinVar aggregate classification (germline): Uncertain significance. Review status: criteria provided, multiple submitters, no conflicts (2 of 4 stars). 2 submissions from 2 submitters: Uncertain significance (2). Last evaluated 2025-05-25.

Conditions:
Inborn genetic diseases. Identifiers: MedGen C0950123, MeSH D030342.
Leber congenital amaurosis 3 (LCA3). Also called: SPATA7-Related Retinitis Pigmentosa. Identifiers: MedGen C1858677, MONDO:0011415, OMIM 604232.

Submissions (2):

Ambry Genetics
Classification: Uncertain significance for Inborn genetic diseases. Last evaluated: 2025-05-25. Review status: criteria provided, single submitter. Criteria: Ambry Variant Classification Scheme 2023. Collection method: clinical testing. Allele origin: germline.

Labcorp Genetics (formerly Invitae), Labcorp
Classification: Uncertain significance for Leber congenital amaurosis 3. Last evaluated: 2022-06-12. Review status: criteria provided, single submitter. Criteria: Invitae Variant Classification Sherloc (09022015). Collection method: clinical testing. Allele origin: germline.
Comment: In summary, the available evidence is currently insufficient to determine the role of this variant in disease. Therefore, it has been classified as a Variant of Uncertain Significance. Algorithms developed to predict the effect of missense changes on protein structure and function output the following: SIFT: "Tolerated"; PolyPhen-2: "Benign"; Align-GVGD: "Class C0". The alanine amino acid residue is found in multiple mammalian species, which suggests that this missense change does not adversely affect protein function. This variant has not been reported in the literature in individuals affected with SPATA7-related conditions. This variant is not present in population databases (gnomAD no frequency). This sequence change replaces threonine, which is neutral and polar, with alanine, which is neutral and non-polar, at codon 519 of the SPATA7 protein (p.Thr519Ala).